The following is an entry in ClinVar:

ClinVar aggregate classification (germline): Uncertain significance (1 of 4 stars; one submission).

Allele frequency attached by ClinVar (database versions not stated): gnomAD exomes below 0.00001.
gnomAD v4.1: 2 of 1,611,264 alleles (0.00012%); highest among the groups gnomAD compares: Non-Finnish European, 0.000085%; no homozygotes.

Submission:

CeGaT Center for Human Genetics Tuebingen
Classification: Uncertain significance. Last evaluated: 2022-08-01. Review status: criteria provided, single submitter. Criteria: CeGaT Center For Human Genetics Tuebingen Variant Classification Criteria Version 2. Collection method: clinical testing. Allele origin: germline. Affected: yes. Observed: 1 variant allele.
Comment: CACNA1A: PM2, BP4

NM_001127222.2(CACNA1A):c.784+3A>G

Gene: CACNA1A (calcium voltage-gated channel subunit alpha1 A; minus strand). Cytogenetic location: 19p13.13.
Variant type: single nucleotide variant.
Coding change: c.784+3A>G on transcript NM_001127222.2 (MANE Select); 3 bases into the intron after coding-DNA position 784, A replaced by G.
Molecular consequence: intron variant.
Genome position (GRCh38, 1-based): chr19:13,365,314, T>C on the plus strand (A>G on the coding strand, the complement: CACNA1A is on the minus strand). VCF-style: chr19-13365314-T-C. GRCh37 (hg19) VCF-style: chr19-13476128-T-C.
Other names: c.784+3A>G (NM_001127221.2, NM_001174080.2, NM_000068.4 and 1 more transcripts).
Identifiers: ClinVar variation 1711468 (VCV001711468.30), dbSNP rs2513175224, ClinGen allele CA2580096614.